The following is an entry in ClinVar:

NM_006348.5(COG5):c.2390C>T (p.Ala797Val)

Gene: COG5 (component of oligomeric golgi complex 5; minus strand). Cytogenetic location: 7q22.3.
Variant type: single nucleotide variant.
Coding change: c.2390C>T on transcript NM_006348.5 (MANE Select); coding-DNA position 2390, C replaced by T.
Protein change: p.Ala797Val; replaces alanine 797 with valine.
Molecular consequence: missense variant.
Genome position (GRCh38, 1-based): chr7:107,203,616, G>A on the plus strand (C>T on the coding strand, the complement: COG5 is on the minus strand). VCF-style: chr7-107203616-G-A. GRCh37 (hg19) VCF-style: chr7-106844061-G-A.
Other names: c.2228C>T, p.Ala743Val (NM_001379511.1); c.2216C>T, p.Ala739Val (NM_001379512.1); c.2183C>T, p.Ala728Val (NM_001379513.1); c.2075C>T, p.Ala692Val (NM_001379514.1); c.1820C>T, p.Ala607Val (NM_001379515.1); c.1676C>T, p.Ala559Val (NM_001379516.1); c.2327C>T, p.Ala776Val (NM_181733.4); short protein forms A607V, A797V, A692V, A728V, A739V, A743V, A559V, A776V.
Identifiers: ClinVar variation 1365743 (VCV001365743.8), dbSNP rs1228532042, ClinGen allele CA368838173.

ClinVar aggregate classification (germline): Uncertain significance (1 of 4 stars; one submission).

Conditions:
COG5-congenital disorder of glycosylation. Also called: CONGENITAL DISORDER OF GLYCOSYLATION, TYPE IIi; COG5-CDG; CDG IIi. Identifiers: Orphanet 263487, MedGen C3150876, MONDO:0013325, OMIM 613612.

Allele frequency attached by ClinVar (database versions not stated): gnomAD exomes below 0.00001; TOPMed below 0.00001.

Submission:

Labcorp Genetics (formerly Invitae), Labcorp
Classification: Uncertain significance for COG5-congenital disorder of glycosylation. Last evaluated: 2022-07-12. Review status: criteria provided, single submitter. Criteria: Invitae Variant Classification Sherloc (09022015). Collection method: clinical testing. Allele origin: germline.
Comment: This sequence change replaces alanine, which is neutral and non-polar, with valine, which is neutral and non-polar, at codon 828 of the COG5 protein (p.Ala828Val). This variant is present in population databases (no rsID available, gnomAD 0.0009%). This variant has not been reported in the literature in individuals affected with COG5-related conditions. ClinVar contains an entry for this variant (Variation ID: 1365743). Algorithms developed to predict the effect of missense changes on protein structure and function are either unavailable or do not agree on the potential impact of this missense change (SIFT: "Tolerated"; PolyPhen-2: "Probably Damaging"; Align-GVGD: "Class C0"). In summary, the available evidence is currently insufficient to determine the role of this variant in disease. Therefore, it has been classified as a Variant of Uncertain Significance.